The following is an entry in ClinVar:

ClinVar aggregate classification (germline): Benign/Likely benign. Review status: criteria provided, multiple submitters, no conflicts (2 of 4 stars). 3 submissions from 3 submitters: Benign (1); Likely benign (1). 1 of the submissions does not count toward it. Last evaluated 2024-09-16.

Conditions:
DNAJC13-related disorder. Also called: DNAJC13-related condition.

Allele frequency attached by ClinVar (database versions not stated): gnomAD exomes 0.00141; ExAC 0.00165; ESP Exome Variant Server 0.00408; gnomAD 0.00463 and 0.00496; TOPMed 0.00555; 1000 Genomes Project 0.00679; 1000 Genomes Project 30x 0.00703.
gnomAD v4.1: 1,403 of 1,611,386 alleles (0.087%); highest among the groups gnomAD compares: African/African-American, 1.5%; 8 homozygotes.

Submissions (3):

Blueprint Genetics
Classification: Likely benign. Last evaluated: 2024-09-16. Review status: criteria provided, single submitter. Criteria: ACMG Guidelines, 2015. Collection method: clinical testing. Allele origin: germline.

Labcorp Genetics (formerly Invitae), Labcorp
Classification: Benign. Last evaluated: 2019-12-31. Review status: criteria provided, single submitter. Criteria: Invitae Variant Classification Sherloc (09022015). Collection method: clinical testing. Allele origin: germline.

PreventionGenetics, part of Exact Sciences
Classification: Benign for DNAJC13-related condition. Last evaluated: 2019-10-28. Review status: no assertion criteria provided. Collection method: clinical testing. Allele origin: germline. Not counted in ClinVar's aggregate classification.
Comment: This variant is classified as benign based on ACMG/AMP sequence variant interpretation guidelines (Richards et al. 2015 PMID: 25741868, with internal and published modifications).

NM_015268.4(DNAJC13):c.5385+7G>A

Gene: DNAJC13 (DnaJ heat shock protein family (Hsp40) member C13; plus strand). Cytogenetic location: 3q22.1.
Variant type: single nucleotide variant.
Coding change: c.5385+7G>A on transcript NM_015268.4 (MANE Select); 7 bases into the intron after coding-DNA position 5385, G replaced by A.
Molecular consequence: intron variant.
Genome position (GRCh38, 1-based): chr3:132,513,106, G>A. VCF-style: chr3-132513106-G-A. GRCh37 (hg19) VCF-style: chr3-132231950-G-A.
Other names: c.5400+7G>A (NM_001329126.2).
Identifiers: ClinVar variation 785064 (VCV000785064.7), dbSNP rs115158539, ClinGen allele CA2619812.